The following is an entry in ClinVar:

NM_001330360.2(POLA1):c.4078C>T (p.Arg1360Cys)

Gene: POLA1 (DNA polymerase alpha 1, catalytic subunit; plus strand). Cytogenetic location: Xp22.11.
Variant type: single nucleotide variant.
Coding change: c.4078C>T on transcript NM_001330360.2 (MANE Select); coding-DNA position 4078, C replaced by T.
Protein change: p.Arg1360Cys; replaces arginine 1360 with cysteine.
Molecular consequence: missense variant. On other transcripts: non-coding transcript variant (2).
Genome position (GRCh38, 1-based): chrX:24,888,036, C>T. VCF-style: chrX-24888036-C-T. GRCh37 (hg19) VCF-style: chrX-24906153-C-T.
Other names: c.4003C>T, p.Arg1335Cys (NM_001378303.1); c.4060C>T, p.Arg1354Cys (NM_016937.4); short protein forms R1354C, R1360C, R1335C.
Identifiers: ClinVar variation 1442917 (VCV001442917.6), dbSNP rs759006513, ClinGen allele CA10373673.

ClinVar aggregate classification (germline): Uncertain significance (1 of 4 stars; one submission).

Allele frequency attached by ClinVar (database versions not stated): ExAC 0.00001; gnomAD exomes 0.00001; TOPMed 0.00001.
gnomAD v4.1: 10 of 1,208,021 alleles (0.00083%); highest among the groups gnomAD compares: Admixed American, 0.0065%; no homozygotes.

Submission:

Labcorp Genetics (formerly Invitae), Labcorp
Classification: Uncertain significance. Last evaluated: 2025-04-11. Review status: criteria provided, single submitter. Criteria: Invitae Variant Classification Sherloc (09022015). Collection method: clinical testing. Allele origin: germline.
Comment: This sequence change replaces arginine, which is basic and polar, with cysteine, which is neutral and slightly polar, at codon 1354 of the POLA1 protein (p.Arg1354Cys). This variant is present in population databases (rs759006513, gnomAD 0.001%), including at least one homozygous and/or hemizygous individual. This variant has not been reported in the literature in individuals affected with POLA1-related conditions. ClinVar contains an entry for this variant (Variation ID: 1442917). Invitae Evidence Modeling of protein sequence and biophysical properties (such as structural, functional, and spatial information, amino acid conservation, physicochemical variation, residue mobility, and thermodynamic stability) indicates that this missense variant is not expected to disrupt POLA1 protein function with a negative predictive value of 80%. In summary, the available evidence is currently insufficient to determine the role of this variant in disease. Therefore, it has been classified as a Variant of Uncertain Significance.